The following is an entry in ClinVar:

ClinVar aggregate classification (germline): Uncertain significance. Review status: criteria provided, multiple submitters, no conflicts (2 of 4 stars). 2 submissions from 2 submitters: Uncertain significance (2). Last evaluated 2024-10-28.

Conditions:
EYS-related disorder. Also called: EYS-related condition.

Allele frequency attached by ClinVar (database versions not stated): gnomAD exomes below 0.00001; gnomAD 0.00001; TOPMed 0.00001.
gnomAD v4.1: 4 of 1,550,422 alleles (0.00026%); highest among the groups gnomAD compares: Non-Finnish European, 0.00035%; no homozygotes.

Submissions (2):

PreventionGenetics, part of Exact Sciences
Classification: Uncertain significance for EYS-related condition. Last evaluated: 2024-10-28. Review status: criteria provided, single submitter. Criteria: ACMG Guidelines, 2015. Collection method: clinical testing. Allele origin: germline.
Comment: The EYS c.3971T>C variant is predicted to result in the amino acid substitution p.Leu1324Pro. To our knowledge, this variant has not been reported in the literature or in a large population database (gnomAD), indicating this variant is rare. At this time, the clinical significance of this variant is uncertain due to the absence of conclusive functional and genetic evidence.

Labcorp Genetics (formerly Invitae), Labcorp
Classification: Uncertain significance. Last evaluated: 2022-03-22. Review status: criteria provided, single submitter. Criteria: Invitae Variant Classification Sherloc (09022015). Collection method: clinical testing. Allele origin: germline.
Comment: This sequence change replaces leucine, which is neutral and non-polar, with proline, which is neutral and non-polar, at codon 1324 of the EYS protein (p.Leu1324Pro). This variant is not present in population databases (gnomAD no frequency). This variant has not been reported in the literature in individuals affected with EYS-related conditions. ClinVar contains an entry for this variant (Variation ID: 844545). Algorithms developed to predict the effect of missense changes on protein structure and function output the following: SIFT: "Tolerated"; PolyPhen-2: "Probably Damaging"; Align-GVGD: "Class C0". The proline amino acid residue is found in multiple mammalian species, which suggests that this missense change does not adversely affect protein function. In summary, the available evidence is currently insufficient to determine the role of this variant in disease. Therefore, it has been classified as a Variant of Uncertain Significance.

NM_001142800.2(EYS):c.3971T>C (p.Leu1324Pro)

Gene: EYS (EGF-like photoreceptor maintenance factor; minus strand). Cytogenetic location: 6q12.
Variant type: single nucleotide variant.
Coding change: c.3971T>C on transcript NM_001142800.2 (MANE Select); coding-DNA position 3971, T replaced by C.
Protein change: p.Leu1324Pro; replaces leucine 1324 with proline.
Molecular consequence: missense variant.
Genome position (GRCh38, 1-based): chr6:64,591,896, A>G on the plus strand (T>C on the coding strand, the complement: EYS is on the minus strand). VCF-style: chr6-64591896-A-G. GRCh37 (hg19) VCF-style: chr6-65301789-A-G.
Other names: c.3971T>C, p.Leu1324Pro (NM_001292009.2); short protein forms L1324P.
Identifiers: ClinVar variation 844545 (VCV000844545.5), dbSNP rs945529523, ClinGen allele CA140340980.